The following is an entry in ClinVar:

NM_001077350.3(NPRL3):c.1145C>T (p.Ala382Val)

Genes: HBA-LCR (alpha-globin locus control region; plus strand), NPRL3 (NPR3 like, GATOR1 complex subunit; minus strand). Cytogenetic location: 16p13.3.
Variant type: single nucleotide variant.
Coding change: c.1145C>T on transcript NM_001077350.3 (MANE Select); coding-DNA position 1145, C replaced by T.
Protein change: p.Ala382Val; replaces alanine 382 with valine.
Molecular consequence: missense variant.
Genome position (GRCh38, 1-based): chr16:92,612, G>A on the plus strand (C>T on the coding strand, the complement: NPRL3 is on the minus strand). VCF-style: chr16-92612-G-A. GRCh37 (hg19) VCF-style: chr16-142610-G-A.
Other names: c.608C>T, p.Ala203Val (NM_001039476.3); c.911C>T, p.Ala304Val (NM_001243247.2); c.1070C>T, p.Ala357Val (NM_001243248.2, NM_001243249.2); c.1145C>T (NM_001077350.2); short protein forms A203V, A304V, A357V, A382V.
Identifiers: ClinVar variation 1016117 (VCV001016117.11), dbSNP rs375562061, ClinGen allele CA7769442.

ClinVar aggregate classification (germline): Uncertain significance. Review status: criteria provided, multiple submitters, no conflicts (2 of 4 stars). 2 submissions from 2 submitters: Uncertain significance (2). Last evaluated 2025-09-13.

Conditions:
Epilepsy, familial focal, with variable foci 3 (FFEVF3). Identifiers: MedGen C4310708, MONDO:0014925, OMIM 617118.
Inborn genetic diseases. Identifiers: MedGen C0950123, MeSH D030342.

Allele frequency attached by ClinVar (database versions not stated): ExAC 0.00001; gnomAD exomes 0.00001 and 0.00002; TOPMed 0.00002; gnomAD 0.00003.
gnomAD v4.1: 18 of 1,613,308 alleles (0.0011%); highest among the groups gnomAD compares: South Asian, 0.0044%; no homozygotes.

Submissions (2):

Labcorp Genetics (formerly Invitae), Labcorp
Classification: Uncertain significance for Epilepsy, familial focal, with variable foci 3. Last evaluated: 2025-09-13. Review status: criteria provided, single submitter. Criteria: Invitae Variant Classification Sherloc (09022015). Collection method: clinical testing. Allele origin: germline.
Comment: This sequence change replaces alanine, which is neutral and non-polar, with valine, which is neutral and non-polar, at codon 382 of the NPRL3 protein (p.Ala382Val). This variant is present in population databases (rs375562061, gnomAD 0.005%). This variant has not been reported in the literature in individuals affected with NPRL3-related conditions. ClinVar contains an entry for this variant (Variation ID: 1016117). Invitae Evidence Modeling of protein sequence and biophysical properties (such as structural, functional, and spatial information, amino acid conservation, physicochemical variation, residue mobility, and thermodynamic stability) indicates that this missense variant is not expected to disrupt NPRL3 protein function with a negative predictive value of 80%. In summary, the available evidence is currently insufficient to determine the role of this variant in disease. Therefore, it has been classified as a Variant of Uncertain Significance.

Ambry Genetics
Classification: Uncertain significance for Inborn genetic diseases. Last evaluated: 2024-03-07. Review status: criteria provided, single submitter. Criteria: Ambry Variant Classification Scheme 2023. Collection method: clinical testing. Allele origin: germline.